The following is an entry in ClinVar:

ClinVar aggregate classification (germline): Benign. Review status: criteria provided, multiple submitters, no conflicts (2 of 4 stars). 2 submissions from 2 submitters: Benign (2). Last evaluated 2018-01-13.

Conditions:
Erythrocyte AMP deaminase deficiency. Identifiers: Orphanet 45, MedGen C2752073, OMIM 612874, MONDO:0020734.

Allele frequency attached by ClinVar (database versions not stated): TOPMed 0.14162; gnomAD exomes 0.19718; 1000 Genomes Project 0.12320; gnomAD 0.15242 and 0.15382; 1000 Genomes Project 30x 0.12352.
gnomAD v4.1: 187,413 of 985,312 alleles (19%); highest among the groups gnomAD compares: Non-Finnish European, 20%; 18,657 homozygotes.

Submissions (2):

Illumina Laboratory Services, Illumina
Classification: Benign for Erythrocyte AMP deaminase deficiency. Last evaluated: 2018-01-13. Review status: criteria provided, single submitter. Criteria: ICSL Variant Classification Criteria 13 December 2019. Collection method: clinical testing. Allele origin: germline.
Comment: This variant was observed in the ICSL laboratory as part of a predisposition screen in an ostensibly healthy population. It had not been previously curated by ICSL or reported in the Human Gene Mutation Database (HGMD: prior to June 1st, 2018), and was therefore a candidate for classification through an automated scoring system. Utilizing variant allele frequency, disease prevalence and penetrance estimates, and inheritance mode, an automated score was calculated to assess if this variant is too frequent to cause the disease. Based on the score and internal cut-off values, a variant classified as benign is not then subjected to further curation. The score for this variant resulted in a classification of benign for this disease.

Breakthrough Genomics
Classification: Benign. Review status: criteria provided, single submitter. Criteria: ACMG Guidelines, 2015. Collection method: not provided. Allele origin: germline. Inheritance: Autosomal recessive inheritance. Affected: yes.

NM_001025389.2(AMPD3):c.-88G>T

Gene: AMPD3 (adenosine monophosphate deaminase 3; plus strand). Cytogenetic location: 11p15.4.
Variant type: single nucleotide variant.
Coding change: c.-88G>T on transcript NM_001025389.2 (MANE Select); 88 bases upstream of the start codon, G replaced by T.
Molecular consequence: 5 prime UTR variant. On other transcripts: intron variant (2).
Genome position (GRCh38, 1-based): chr11:10,455,366, G>T. VCF-style: chr11-10455366-G-T. GRCh37 (hg19) VCF-style: chr11-10476913-G-T.
Other names: c.-278+4851G>T (NM_001172431.2); c.22+4323G>T (NM_000480.3).
Identifiers: ClinVar variation 302143 (VCV000302143.6), dbSNP rs28403593, ClinGen allele CA10636955.
Genomic context (GRCh38, chr11:10,455,366, plus strand): 5'-TGATGCCATTTTAATCAACCCTGCTTGGTTTTAGAGGATTGCTCCTGTGGGTCACTTGAG[G>T]CAGGCTCCACCTTCCCCAGGAGGAGTGGCAGAGTCCAGCCAGCGCTCGGAGCTGGAGGCC-3'